The following is an entry in ClinVar:

ClinVar aggregate classification (germline): Uncertain significance (1 of 4 stars; one submission).

Submission:

Ambry Genetics
Classification: Uncertain significance. Last evaluated: 2023-08-02. Review status: criteria provided, single submitter. Criteria: Ambry Variant Classification Scheme 2023. Collection method: clinical testing. Allele origin: germline.
Comment: The p.L614V variant (also known as c.1840C>G), located in coding exon 12 of the POLQ gene, results from a C to G substitution at nucleotide position 1840. The leucine at codon 614 is replaced by valine, an amino acid with highly similar properties. This amino acid position is conserved. In addition, this alteration is predicted to be tolerated by in silico analysis. Since supporting evidence is limited at this time, the clinical significance of this alteration remains unclear.

NM_199420.4(POLQ):c.1840C>G (p.Leu614Val)

Gene: POLQ (DNA polymerase theta; minus strand). Cytogenetic location: 3q13.33.
Variant type: single nucleotide variant.
Coding change: c.1840C>G on transcript NM_199420.4 (MANE Select); coding-DNA position 1840, C replaced by G.
Protein change: p.Leu614Val; replaces leucine 614 with valine.
Molecular consequence: missense variant.
Genome position (GRCh38, 1-based): chr3:121,509,680, G>C on the plus strand (C>G on the coding strand, the complement: POLQ is on the minus strand). VCF-style: chr3-121509680-G-C. GRCh37 (hg19) VCF-style: chr3-121228527-G-C.
Other names: short protein forms L614V.
Identifiers: ClinVar variation 2625855 (VCV002625855.2), dbSNP rs2546802087, ClinGen allele CA354113945.